The following is an entry in ClinVar:

ClinVar aggregate classification (germline): Pathogenic (1 of 4 stars; one submission).

Submission:

Labcorp Genetics (formerly Invitae), Labcorp
Classification: Pathogenic. Last evaluated: 2022-04-03. Review status: criteria provided, single submitter. Criteria: Invitae Variant Classification Sherloc (09022015). Collection method: clinical testing. Allele origin: germline.
Comment: This sequence change creates a premature translational stop signal (p.Tyr120*) in the PEX3 gene. It is expected to result in an absent or disrupted protein product. Loss-of-function variants in PEX3 are known to be pathogenic (PMID: 10942428, 21031596). This variant is not present in population databases (gnomAD no frequency). This variant has not been reported in the literature in individuals affected with PEX3-related conditions. For these reasons, this variant has been classified as Pathogenic.

Literature cited by the submitters: PubMed 10942428; PubMed 21031596.

NM_003630.3(PEX3):c.360C>G (p.Tyr120Ter)

Gene: PEX3 (peroxisomal biogenesis factor 3; plus strand). Cytogenetic location: 6q24.2.
Variant type: single nucleotide variant.
Coding change: c.360C>G on transcript NM_003630.3 (MANE Select); coding-DNA position 360, C replaced by G.
Protein change: p.Tyr120Ter; replaces tyrosine 120 with a stop codon.
Molecular consequence: nonsense.
Genome position (GRCh38, 1-based): chr6:143,470,989, C>G. VCF-style: chr6-143470989-C-G. GRCh37 (hg19) VCF-style: chr6-143792126-C-G.
Other names: short protein forms Y120*.
Identifiers: ClinVar variation 2120965 (VCV002120965.4), dbSNP rs2537196715, ClinGen allele CA365909609.
Genomic context (GRCh38, chr6:143,470,989, plus strand): 5'-CAGTACCAAATGCTTTTCTTTTCTCTGTGAAGGTTTCACAAGAAGTACTGTGGCTGTATA[C>G]AGTACCTGTATGCTGGTTGTTCTTTTGCGGGTCCAGTTAAACATAATTGGTGGATATATT-3'